The following is an entry in ClinVar:

NM_017827.4(SARS2):c.1442T>A (p.Leu481His)

Gene: SARS2 (seryl-tRNA synthetase 2, mitochondrial; minus strand). Cytogenetic location: 19q13.2.
Variant type: single nucleotide variant.
Coding change: c.1442T>A on transcript NM_017827.4 (MANE Select); coding-DNA position 1442, T replaced by A.
Protein change: p.Leu481His; replaces leucine 481 with histidine.
Molecular consequence: missense variant.
Genome position (GRCh38, 1-based): chr19:38,915,721, A>T on the plus strand (T>A on the coding strand, the complement: SARS2 is on the minus strand). VCF-style: chr19-38915721-A-T. GRCh37 (hg19) VCF-style: chr19-39406361-A-T.
Other names: c.1448T>A, p.Leu483His (NM_001145901.2); short protein forms L481H, L483H.
Identifiers: ClinVar variation 3369199 (VCV003369199.2).
Genomic context (GRCh38, chr19:38,915,721, plus strand): 5'-ATGTACTGGAGAGGCACGTGGGTAGGGGCTGTGATCCGATCAGTGCCGAGGTAGGACTGG[A>T]GGGCAGGGGGCACGAGCACTGAGCCGTCCTGGGGACAGAGCAGACCTCAGGACACTGCAG-3'
Protein context (NP_060297.1, residues 471-491): KDGSVLVPPA[Leu481His]QSYLGTDRIT

ClinVar aggregate classification (germline): Uncertain significance. Review status: criteria provided, multiple submitters, no conflicts (2 of 4 stars). 2 submissions from 2 submitters: Uncertain significance (2). Last evaluated 2025-03-03.

gnomAD v4.1: 9 of 1,612,976 alleles (0.00056%); highest among the groups gnomAD compares: Admixed American, 0.0067%; no homozygotes.

Submissions (2):

Ambry Genetics
Classification: Uncertain significance. Last evaluated: 2025-03-03. Review status: criteria provided, single submitter. Criteria: Ambry Variant Classification Scheme 2023. Collection method: clinical testing. Allele origin: germline.

GeneDx
Classification: Uncertain significance. Last evaluated: 2024-02-14. Review status: criteria provided, single submitter. Criteria: GeneDx Variant Classification Process June 2021. Collection method: clinical testing. Allele origin: germline. Affected: yes.
Comment: Not observed at significant frequency in large population cohorts (gnomAD); In silico analysis supports that this missense variant has a deleterious effect on protein structure/function; Has not been previously published as pathogenic or benign to our knowledge